The following is an entry in ClinVar:

ClinVar aggregate classification (germline): Uncertain significance (1 of 4 stars; one submission).

Conditions:
Inborn genetic diseases. Identifiers: MedGen C0950123, MeSH D030342.

Submission:

Ambry Genetics
Classification: Uncertain significance for Inborn genetic diseases. Last evaluated: 2024-12-06. Review status: criteria provided, single submitter. Criteria: Ambry Variant Classification Scheme 2023. Collection method: clinical testing. Allele origin: germline.
Comment: The p.F851V variant (also known as c.2551T>G), located in coding exon 12 of the BMPR2 gene, results from a T to G substitution at nucleotide position 2551. The phenylalanine at codon 851 is replaced by valine, an amino acid with highly similar properties. This amino acid position is conserved. In addition, the in silico prediction for this alteration is inconclusive. Based on the available evidence, the clinical significance of this variant remains unclear.

NM_001204.7(BMPR2):c.2551T>G (p.Phe851Val)

Gene: BMPR2 (bone morphogenetic protein receptor type 2; plus strand). Cytogenetic location: 2q33.2.
Variant type: single nucleotide variant.
Coding change: c.2551T>G on transcript NM_001204.7 (MANE Select); coding-DNA position 2551, T replaced by G.
Protein change: p.Phe851Val; replaces phenylalanine 851 with valine.
Molecular consequence: missense variant.
Genome position (GRCh38, 1-based): chr2:202,556,216, T>G. VCF-style: chr2-202556216-T-G. GRCh37 (hg19) VCF-style: chr2-203420939-T-G.
Other names: short protein forms F851V.
Identifiers: ClinVar variation 3481343 (VCV003481343.1).